The following is an entry in ClinVar:

ClinVar aggregate classification (germline): Uncertain significance. Review status: criteria provided, multiple submitters, no conflicts (2 of 4 stars). 2 submissions from 2 submitters: Uncertain significance (2). Last evaluated 2024-10-16.

Conditions:
Holoprosencephaly sequence (HPE). Also called: Holoprosencephaly. Identifiers: Orphanet 2162, MedGen C0079541, MONDO:0016296, HP:0001360.

Allele frequency attached by ClinVar (database versions not stated): ESP Exome Variant Server 0.00008.

Submissions (2):

GeneDx
Classification: Uncertain significance. Last evaluated: 2024-10-16. Review status: criteria provided, single submitter. Criteria: GeneDx Variant Classification Process June 2021. Collection method: clinical testing. Allele origin: germline. Affected: yes.
Comment: Not observed at significant frequency in large population cohorts (gnomAD); In silico analysis indicates that this missense variant does not alter protein structure/function; Has not been previously published as pathogenic or benign to our knowledge

Labcorp Genetics (formerly Invitae), Labcorp
Classification: Uncertain significance for Holoprosencephaly sequence. Last evaluated: 2023-05-19. Review status: criteria provided, single submitter. Criteria: Invitae Variant Classification Sherloc (09022015). Collection method: clinical testing. Allele origin: germline.
Comment: In summary, the available evidence is currently insufficient to determine the role of this variant in disease. Therefore, it has been classified as a Variant of Uncertain Significance. Advanced modeling of protein sequence and biophysical properties (such as structural, functional, and spatial information, amino acid conservation, physicochemical variation, residue mobility, and thermodynamic stability) performed at Invitae indicates that this missense variant is not expected to disrupt FOXH1 protein function. This variant has not been reported in the literature in individuals affected with FOXH1-related conditions. This variant is not present in population databases (gnomAD no frequency). This sequence change replaces glycine, which is neutral and non-polar, with glutamic acid, which is acidic and polar, at codon 235 of the FOXH1 protein (p.Gly235Glu).

NM_003923.3(FOXH1):c.704G>A (p.Gly235Glu)

Gene: FOXH1 (forkhead box H1; minus strand). Cytogenetic location: 8q24.3.
Variant type: single nucleotide variant.
Coding change: c.704G>A on transcript NM_003923.3 (MANE Select); coding-DNA position 704, G replaced by A.
Protein change: p.Gly235Glu; replaces glycine 235 with glutamic acid.
Molecular consequence: missense variant.
Genome position (GRCh38, 1-based): chr8:144,474,632, C>T on the plus strand (G>A on the coding strand, the complement: FOXH1 is on the minus strand). VCF-style: chr8-144474632-C-T. GRCh37 (hg19) VCF-style: chr8-145700015-C-T.
Other names: c.704G>A (NM_003923.2); short protein forms G235E.
Identifiers: ClinVar variation 2728957 (VCV002728957.4), dbSNP rs376840587, ClinGen allele CA187724834.